The following is an entry in ClinVar:

ClinVar aggregate classification (germline): Pathogenic (1 of 4 stars; one submission).

Submission:

GeneDx
Classification: Pathogenic. Last evaluated: 2026-03-18. Review status: criteria provided, single submitter. Criteria: GeneDx Variant Classification Process June 2021. Collection method: clinical testing. Allele origin: germline.
Comment: Frameshift variant predicted to result in protein truncation or nonsense mediated decay in a gene for which loss of function is a known mechanism of disease; Not observed at significant frequency in large population cohorts (gnomAD); Has not been previously published as pathogenic or benign to our knowledge

NM_004973.4(JARID2):c.1608_1617delinsTTCTC (p.Gln537fs)

Gene: JARID2 (jumonji and AT-rich interaction domain containing 2; plus strand). Cytogenetic location: 6p22.3.
Variant type: Indel.
Coding change: c.1608_1617delinsTTCTC on transcript NM_004973.4 (MANE Select); coding-DNA positions 1608 to 1617, GCAGGACTCG replaced by TTCTC.
Protein change: p.Gln537fs; shifts the reading frame from glutamine 537.
Molecular consequence: frameshift variant.
Genome position (GRCh38, 1-based): chr6:15,496,833-15,496,842, GCAGGACTCG replaced by TTCTC. VCF-style: chr6-15496833-GCAGGACTCG-TTCTC. GRCh37 (hg19) VCF-style: chr6-15497064-GCAGGACTCG-TTCTC.
Other names: c.1092_1101delinsTTCTC, p.Gln365fs (NM_001267040.1); short protein forms Q537fs, Q365fs.
Identifiers: ClinVar variation 5009445 (VCV005009445.1).